The following is an entry in ClinVar:

NM_001127178.3(PIGG):c.1872C>G (p.Asp624Glu)

Gene: PIGG (phosphatidylinositol glycan anchor biosynthesis class G (EMM blood group); plus strand). Cytogenetic location: 4p16.3.
Variant type: single nucleotide variant.
Coding change: c.1872C>G on transcript NM_001127178.3 (MANE Select); coding-DNA position 1872, C replaced by G.
Protein change: p.Asp624Glu; replaces aspartic acid 624 with glutamic acid.
Molecular consequence: missense variant. On other transcripts: non-coding transcript variant (6).
Genome position (GRCh38, 1-based): chr4:523,716, C>G. VCF-style: chr4-523716-C-G. GRCh37 (hg19) VCF-style: chr4-517505-C-G.
Other names: c.1605C>G, p.Asp535Glu (NM_001289051.2, NM_001345986.2); c.1473C>G, p.Asp491Glu (NM_001289052.2); c.1581C>G, p.Asp527Glu (NM_001345987.2); c.843C>G, p.Asp281Glu (NM_001345988.2); c.339C>G, p.Asp113Glu (NM_001345990.2, NM_001345991.2); c.774C>G, p.Asp258Glu (NM_001345994.2); c.1848C>G, p.Asp616Glu (NM_017733.5); short protein forms D491E, D527E, D624E, D616E, D113E, D258E, D281E, D535E.
Identifiers: ClinVar variation 856046 (VCV000856046.7), dbSNP rs761459311, ClinGen allele CA2793469.

ClinVar aggregate classification (germline): Uncertain significance (1 of 4 stars; one submission).

Conditions:
Intellectual disability, autosomal recessive 53 (NEDHSCA). Also called: GLYCOSYLPHOSPHATIDYLINOSITOL BIOSYNTHESIS DEFECT 13; Mental retardation, autosomal recessive 53; NEURODEVELOPMENTAL DISORDER WITH OR WITHOUT HYPOTONIA, SEIZURES, AND CEREBELLAR ATROPHY. Identifiers: Orphanet 488635, MedGen C4310794, MONDO:0014832, OMIM 616917.

Allele frequency attached by ClinVar (database versions not stated): gnomAD 0.00002; TOPMed 0.00006.
gnomAD v4.1: 59 of 1,614,102 alleles (0.0037%); highest among the groups gnomAD compares: Non-Finnish European, 0.0049%; no homozygotes.

Submission:

Labcorp Genetics (formerly Invitae), Labcorp
Classification: Uncertain significance for Intellectual disability, autosomal recessive 53. Last evaluated: 2022-07-23. Review status: criteria provided, single submitter. Criteria: Invitae Variant Classification Sherloc (09022015). Collection method: clinical testing. Allele origin: germline.
Comment: This sequence change replaces aspartic acid, which is acidic and polar, with glutamic acid, which is acidic and polar, at codon 624 of the PIGG protein (p.Asp624Glu). This variant is present in population databases (rs761459311, gnomAD 0.004%). This variant has not been reported in the literature in individuals affected with PIGG-related conditions. ClinVar contains an entry for this variant (Variation ID: 856046). Algorithms developed to predict the effect of missense changes on protein structure and function (SIFT, PolyPhen-2, Align-GVGD) all suggest that this variant is likely to be tolerated. In summary, the available evidence is currently insufficient to determine the role of this variant in disease. Therefore, it has been classified as a Variant of Uncertain Significance.